The following is an entry in ClinVar:

ClinVar aggregate classification (germline): Pathogenic (1 of 4 stars; one submission).

Conditions:
Primary ciliary dyskinesia. Also called: Ciliary dyskinesia. Identifiers: Orphanet 244, MedGen C0008780, MONDO:0016575, HP:0012265.

Submission:

Labcorp Genetics (formerly Invitae), Labcorp
Classification: Pathogenic for Primary ciliary dyskinesia. Last evaluated: 2024-03-20. Review status: criteria provided, single submitter. Criteria: Invitae Variant Classification Sherloc (09022015). Collection method: clinical testing. Allele origin: germline.
Comment: This sequence change creates a premature translational stop signal (p.Leu2358Trpfs*4) in the DNAH11 gene. It is expected to result in an absent or disrupted protein product. Loss-of-function variants in DNAH11 are known to be pathogenic (PMID: 18022865, 20513915, 22184204). This variant is not present in population databases (gnomAD no frequency). This variant has not been reported in the literature in individuals affected with DNAH11-related conditions. Algorithms developed to predict the effect of sequence changes on RNA splicing suggest that this variant may disrupt the consensus splice site. For these reasons, this variant has been classified as Pathogenic.

Literature cited by the submitters: PubMed 18022865; PubMed 20513915; PubMed 22184204.

NM_001277115.2(DNAH11):c.7073del (p.Leu2358fs)

Gene: DNAH11 (dynein axonemal heavy chain 11; plus strand). Cytogenetic location: 7p15.3.
Variant type: Deletion.
Coding change: c.7073del on transcript NM_001277115.2 (MANE Select); coding-DNA position 7073, one base deleted (T; older notation c.7073delT).
Protein change: p.Leu2358fs; shifts the reading frame from leucine 2358.
Molecular consequence: frameshift variant.
Genome position (GRCh38, 1-based): chr7:21,717,864, T deleted; the last of 2 consecutive T bases (chr7:21,717,863-21,717,864); deleting either gives the same sequence. VCF-style (leftmost placement, unchanged base first): chr7-21717862-CT-C. GRCh37 (hg19) VCF-style: chr7-21757480-CT-C.
Other names: short protein forms L2358fs.
Identifiers: ClinVar variation 3703839 (VCV003703839.2).